The following is an entry in ClinVar:

ClinVar aggregate classification (germline): Uncertain significance. Review status: criteria provided, multiple submitters, no conflicts (2 of 4 stars). 2 submissions from 2 submitters: Uncertain significance (2). Last evaluated 2025-09-19.

Conditions:
Hereditary cancer-predisposing syndrome. Also called: Hereditary neoplastic syndrome; Neoplastic Syndromes, Hereditary; Hereditary Cancer Syndrome; Tumor predisposition. Identifiers: Orphanet 140162, MedGen C0027672, MeSH D009386, MONDO:0015356.

Submissions (2):

Ambry Genetics
Classification: Uncertain significance for Hereditary cancer-predisposing syndrome. Last evaluated: 2025-09-19. Review status: criteria provided, single submitter. Criteria: Ambry Variant Classification Scheme 2023. Collection method: clinical testing. Allele origin: germline.
Comment: The p.E1749G variant (also known as c.5246A>G), located in coding exon 39 of the POLE gene, results from an A to G substitution at nucleotide position 5246. The glutamic acid at codon 1749 is replaced by glycine, an amino acid with similar properties. This amino acid position is conserved. In addition, this alteration is predicted to be deleterious by in silico analysis. Since supporting evidence is limited at this time, the clinical significance of this alteration remains unclear.

Labcorp Genetics (formerly Invitae), Labcorp
Classification: Uncertain significance. Last evaluated: 2022-08-21. Review status: criteria provided, single submitter. Criteria: Invitae Variant Classification Sherloc (09022015). Collection method: clinical testing. Allele origin: germline.
Comment: In summary, the available evidence is currently insufficient to determine the role of this variant in disease. Therefore, it has been classified as a Variant of Uncertain Significance. Algorithms developed to predict the effect of missense changes on protein structure and function (SIFT, PolyPhen-2, Align-GVGD) all suggest that this variant is likely to be disruptive. This variant has not been reported in the literature in individuals affected with POLE-related conditions. This variant is not present in population databases (gnomAD no frequency). This sequence change replaces glutamic acid, which is acidic and polar, with glycine, which is neutral and non-polar, at codon 1749 of the POLE protein (p.Glu1749Gly).

NM_006231.4(POLE):c.5246A>G (p.Glu1749Gly)

Gene: POLE (DNA polymerase epsilon, catalytic subunit; minus strand). Cytogenetic location: 12q24.33.
Variant type: single nucleotide variant.
Coding change: c.5246A>G on transcript NM_006231.4 (MANE Select); coding-DNA position 5246, A replaced by G.
Protein change: p.Glu1749Gly; replaces glutamic acid 1749 with glycine.
Molecular consequence: missense variant.
Genome position (GRCh38, 1-based): chr12:132,641,779, T>C on the plus strand (A>G on the coding strand, the complement: POLE is on the minus strand). VCF-style: chr12-132641779-T-C. GRCh37 (hg19) VCF-style: chr12-133218365-T-C.
Other names: c.5246A>G (NM_006231.2); short protein forms E1749G.
Identifiers: ClinVar variation 1717315 (VCV001717315.8), dbSNP rs2541881251, ClinGen allele CA387376346.